The following is an entry in ClinVar:

ClinVar aggregate classification (germline): Benign/Likely benign. Review status: criteria provided, multiple submitters, no conflicts (2 of 4 stars). 5 submissions from 5 submitters: Benign (2); Likely benign (3). Last evaluated 2026-01-25.

Conditions:
Hydrocephalus, nonsyndromic, autosomal recessive 1 (HYC1). Also called: Hydrocephalus, nonsyndromic, autosomal recessive; Congenital hydrocephalus 1. Identifiers: Orphanet 2185, MedGen C3887608, MONDO:0009360, OMIM 236600.
Spinocerebellar ataxia type 40. Identifiers: Orphanet 423275, MedGen C4518336, MONDO:0014475, OMIM 616053.

Allele frequency attached by ClinVar (database versions not stated): gnomAD exomes 0.00046 and 0.00143; ExAC 0.00191; 1000 Genomes Project 0.00559; ESP Exome Variant Server 0.00573; gnomAD 0.00577 and 0.00627; 1000 Genomes Project 30x 0.00625; TOPMed 0.00633.
gnomAD v4.1: 1,575 of 1,611,524 alleles (0.098%); highest among the groups gnomAD compares: African/African-American, 1.9%; 12 homozygotes.

Submissions (5):

Labcorp Genetics (formerly Invitae), Labcorp
Classification: Benign. Last evaluated: 2026-01-25. Review status: criteria provided, single submitter. Criteria: Invitae Variant Classification Sherloc (09022015). Collection method: clinical testing. Allele origin: germline.

Mayo Clinic Laboratories, Mayo Clinic
Classification: Benign. Last evaluated: 2024-01-02. Review status: criteria provided, single submitter. Criteria: ACMG Guidelines, 2015. Collection method: clinical testing. Allele origin: germline. Observed: 2 variant alleles.
Comment: BA1, BS2, BP4

Fulgent Genetics
Classification: Likely benign for Hydrocephalus, nonsyndromic, autosomal recessive 1; Spinocerebellar ataxia type 40. Last evaluated: 2022-01-24. Review status: criteria provided, single submitter. Criteria: ACMG Guidelines, 2015. Collection method: clinical testing. Allele origin: unknown.

Athena Diagnostics
Classification: Likely benign. Last evaluated: 2016-12-20. Review status: criteria provided, single submitter. Criteria: Athena Diagnostics Criteria. Collection method: clinical testing. Allele origin: germline.

Breakthrough Genomics
Classification: Likely benign. Review status: criteria provided, single submitter. Criteria: ACMG Guidelines, 2015. Collection method: not provided. Allele origin: germline. Inheritance: Autosomal recessive inheritance. Affected: yes.

NM_001080414.4(CCDC88C):c.4433T>C (p.Val1478Ala)

Gene: CCDC88C (coiled-coil and HOOK domain protein 88C; minus strand). Cytogenetic location: 14q32.11.
Variant type: single nucleotide variant.
Coding change: c.4433T>C on transcript NM_001080414.4 (MANE Select); coding-DNA position 4433, T replaced by C.
Protein change: p.Val1478Ala; replaces valine 1478 with alanine.
Molecular consequence: missense variant.
Genome position (GRCh38, 1-based): chr14:91,289,113, A>G on the plus strand (T>C on the coding strand, the complement: CCDC88C is on the minus strand). VCF-style: chr14-91289113-A-G. GRCh37 (hg19) VCF-style: chr14-91755457-A-G.
Other names: short protein forms V1478A.
Identifiers: ClinVar variation 447018 (VCV000447018.13), dbSNP rs201222692, ClinGen allele CA7309007.